The following is an entry in ClinVar:

ClinVar aggregate classification (germline): Uncertain significance. Review status: criteria provided, multiple submitters, no conflicts (2 of 4 stars). 2 submissions from 2 submitters: Uncertain significance (2). Last evaluated 2025-03-19.

Conditions:
Hereditary spastic paraplegia 11. Also called: SPASTIC PARAPLEGIA, AUTOSOMAL RECESSIVE, COMPLICATED, WITH THIN CORPUS CALLOSUM; SPASTIC PARAPLEGIA, AUTOSOMAL RECESSIVE, WITH MENTAL IMPAIRMENT AND THIN CORPUS CALLOSUM; Nakamura Osame syndrome; Autosomal recessive hereditary spastic paraplegia, mental impairment, and thin corpus callosum; Spastic paraplegia, mental retardation and thin corpus callosum; Spastic Paraplegia 11. Identifiers: Orphanet 2822, MedGen C1858479, MONDO:0011445, OMIM 604360.

Allele frequency attached by ClinVar (database versions not stated): ExAC 0.00001.
gnomAD v4.1: 5 of 1,611,064 alleles (0.00031%); highest among the groups gnomAD compares: Admixed American, 0.0033%; no homozygotes.

Submissions (2):

GeneDx
Classification: Uncertain significance. Last evaluated: 2025-03-19. Review status: criteria provided, single submitter. Criteria: GeneDx Variant Classification Process June 2021. Collection method: clinical testing. Allele origin: germline. Affected: yes.
Comment: Not observed at significant frequency in large population cohorts (gnomAD); In silico analysis supports that this missense variant has a deleterious effect on protein structure/function; Has not been previously published as pathogenic or benign to our knowledge

Labcorp Genetics (formerly Invitae), Labcorp
Classification: Uncertain significance for Hereditary spastic paraplegia 11. Last evaluated: 2022-05-07. Review status: criteria provided, single submitter. Criteria: Invitae Variant Classification Sherloc (09022015). Collection method: clinical testing. Allele origin: germline.
Comment: This sequence change replaces cysteine, which is neutral and slightly polar, with arginine, which is basic and polar, at codon 1559 of the SPG11 protein (p.Cys1559Arg). This variant is present in population databases (rs757658545, gnomAD 0.0009%). This variant has not been reported in the literature in individuals affected with SPG11-related conditions. Algorithms developed to predict the effect of missense changes on protein structure and function are either unavailable or do not agree on the potential impact of this missense change (SIFT: "Deleterious"; PolyPhen-2: "Probably Damaging"; Align-GVGD: "Class C0"). Algorithms developed to predict the effect of sequence changes on RNA splicing suggest that this variant may disrupt the consensus splice site. In summary, the available evidence is currently insufficient to determine the role of this variant in disease. Therefore, it has been classified as a Variant of Uncertain Significance.

NM_025137.4(SPG11):c.4675T>C (p.Cys1559Arg)

Gene: SPG11 (SPG11 vesicle trafficking associated, spatacsin; minus strand). Cytogenetic location: 15q21.1.
Variant type: single nucleotide variant.
Coding change: c.4675T>C on transcript NM_025137.4 (MANE Select); coding-DNA position 4675, T replaced by C.
Protein change: p.Cys1559Arg; replaces cysteine 1559 with arginine.
Molecular consequence: missense variant.
Genome position (GRCh38, 1-based): chr15:44,592,399, A>G on the plus strand (T>C on the coding strand, the complement: SPG11 is on the minus strand). VCF-style: chr15-44592399-A-G. GRCh37 (hg19) VCF-style: chr15-44884597-A-G.
Other names: c.4675T>C, p.Cys1559Arg (NM_001160227.2, NM_001411132.1); c.4675T>C (NM_025137.3); short protein forms C1559R.
Identifiers: ClinVar variation 2189503 (VCV002189503.2), dbSNP rs757658545, ClinGen allele CA7534615.